The following is an entry in ClinVar:

ClinVar aggregate classification (germline): Uncertain significance (1 of 4 stars; one submission).

Conditions:
Emery-Dreifuss muscular dystrophy 4, autosomal dominant (EDMD4). Also called: EMERY-DREIFUSS MUSCULAR DYSTROPHY 4 WITH VARIABLE FEATURES. Identifiers: Orphanet 261, MedGen C2751807, MONDO:0013071, OMIM 612998.
Autosomal recessive ataxia, Beauce type. Also called: Spinocerebellar ataxia, autosomal recessive 8; ATAXIA, RECESSIVE, OF BEAUCE; SYNE1 Deficiency; SYNE1-Related Autosomal Recessive Cerebellar Ataxia. Identifiers: Orphanet 88644, MedGen C1853116, MONDO:0012549, OMIM 610743.

Allele frequency attached by ClinVar (database versions not stated): TOPMed 0.00002; gnomAD 0.00001.
gnomAD v4.1: 1 of 1,614,058 alleles (0.000062%); highest among the groups gnomAD compares: Admixed American, 0.0017%; no homozygotes.

Submission:

Labcorp Genetics (formerly Invitae), Labcorp
Classification: Uncertain significance for Emery-Dreifuss muscular dystrophy 4, autosomal dominant; Autosomal recessive ataxia, Beauce type. Last evaluated: 2021-11-18. Review status: criteria provided, single submitter. Criteria: Invitae Variant Classification Sherloc (09022015). Collection method: clinical testing. Allele origin: germline.
Comment: This sequence change replaces leucine, which is neutral and non-polar, with proline, which is neutral and non-polar, at codon 2042 of the SYNE1 protein (p.Leu2042Pro). In summary, the available evidence is currently insufficient to determine the role of this variant in disease. Therefore, it has been classified as a Variant of Uncertain Significance. Algorithms developed to predict the effect of missense changes on protein structure and function (SIFT, PolyPhen-2, Align-GVGD) all suggest that this variant is likely to be disruptive. This variant has not been reported in the literature in individuals affected with SYNE1-related conditions. This variant is not present in population databases (gnomAD no frequency).

NM_182961.4(SYNE1):c.6104T>C (p.Leu2035Pro)

Gene: SYNE1 (spectrin repeat containing nuclear envelope protein 1; minus strand). Cytogenetic location: 6q25.2.
Variant type: single nucleotide variant.
Coding change: c.6104T>C on transcript NM_182961.4 (MANE Select); coding-DNA position 6104, T replaced by C.
Protein change: p.Leu2035Pro; replaces leucine 2035 with proline.
Molecular consequence: missense variant.
Genome position (GRCh38, 1-based): chr6:152,413,478, A>G on the plus strand (T>C on the coding strand, the complement: SYNE1 is on the minus strand). VCF-style: chr6-152413478-A-G. GRCh37 (hg19) VCF-style: chr6-152734613-A-G.
Other names: c.6125T>C, p.Leu2042Pro (NM_033071.5); short protein forms L2042P, L2035P.
Identifiers: ClinVar variation 1426489 (VCV001426489.6), dbSNP rs2098103147, ClinGen allele CA366129730.
Genomic context (GRCh38, chr6:152,413,478, plus strand): 5'-TCAGGTGCAAAAGCTACATCTTTCTGGGCAATTTGCTTGGCTTTGTCTTTCAACCAACAT[A>G]GTTCATGCTCGTGAGAATTCAATTCATCTTCTAGCTGATTAAACACTCTTAACCTGTGAA-3'
Protein context (NP_892006.3, residues 2025-2045): EDELNSHEHE[Leu2035Pro]CWLKDKAKQI